The following is an entry in ClinVar:

ClinVar aggregate classification (germline): Pathogenic/Likely pathogenic. Review status: criteria provided, multiple submitters, no conflicts (2 of 4 stars). 3 submissions from 3 submitters: Pathogenic (1); Likely pathogenic (2). Last evaluated 2025-09-16.

Conditions:
CEP164-related disorder. Also called: CEP164-related condition.
Nephronophthisis 15 (NPHP15). Identifiers: Orphanet 3156, MedGen C3541853, MONDO:0013917, OMIM 614845.

Allele frequency attached by ClinVar (database versions not stated): ExAC 0.00001; gnomAD exomes 0.00001; gnomAD 0.00003 and 0.00004; TOPMed 0.00003.

Submissions (3):

Labcorp Genetics (formerly Invitae), Labcorp
Classification: Pathogenic for Nephronophthisis 15. Last evaluated: 2025-09-16. Review status: criteria provided, single submitter. Criteria: Invitae Variant Classification Sherloc (09022015). Collection method: clinical testing. Allele origin: germline.
Comment: This sequence change creates a premature translational stop signal (p.Glu557Glyfs*4) in the CEP164 gene. It is expected to result in an absent or disrupted protein product. Loss-of-function variants in CEP164 are known to be pathogenic (PMID: 22863007, 28125082, 32367404, 34132027, 34499853). This variant is present in population databases (rs749114363, gnomAD 0.004%). This variant has not been reported in the literature in individuals affected with CEP164-related conditions. ClinVar contains an entry for this variant (Variation ID: 1456625). Algorithms developed to predict the effect of sequence changes on RNA splicing suggest that this variant may disrupt the consensus splice site. For these reasons, this variant has been classified as Pathogenic.

PreventionGenetics, part of Exact Sciences
Classification: Likely pathogenic for CEP164-related condition. Last evaluated: 2025-04-14. Review status: criteria provided, single submitter. Criteria: ACMG Guidelines, 2015. Collection method: clinical testing. Allele origin: germline.
Comment: The CEP164 c.1669dupG variant is predicted to result in a frameshift and premature protein termination (p.Glu557Glyfs*4). This variant has been reported in a carrier study of autosomal recessive inherited retinal diseases (Table S3, Hanany et al. 2020. PubMed ID: 31964843). This variant is reported in 0.0040% of alleles in individuals of African descent in gnomAD. Frameshift variants in CEP164 are expected to be pathogenic. This variant is interpreted as likely pathogenic.

Fulgent Genetics
Classification: Likely pathogenic for Nephronophthisis 15. Last evaluated: 2022-05-23. Review status: criteria provided, single submitter. Criteria: ACMG Guidelines, 2015. Collection method: clinical testing. Allele origin: unknown.

Literature cited by the submitters: PubMed 22863007 (cited by Labcorp Genetics (formerly Invitae), Labcorp); PubMed 28125082 (cited by Labcorp Genetics (formerly Invitae), Labcorp); PubMed 32367404 (cited by Labcorp Genetics (formerly Invitae), Labcorp); PubMed 34132027 (cited by Labcorp Genetics (formerly Invitae), Labcorp); PubMed 34499853 (cited by Labcorp Genetics (formerly Invitae), Labcorp).

NM_014956.5(CEP164):c.1669dup (p.Glu557fs)

Gene: CEP164 (centrosomal protein 164; plus strand). Cytogenetic location: 11q23.3.
Variant type: Duplication.
Coding change: c.1669dup on transcript NM_014956.5 (MANE Select); coding-DNA position 1669, one base duplicated (G; older notation c.1669dupG).
Protein change: p.Glu557fs; shifts the reading frame from glutamic acid 557.
Molecular consequence: frameshift variant.
Genome position (GRCh38, 1-based): chr11:117,382,887, G duplicated. VCF-style (leftmost placement, unchanged base first): chr11-117382886-A-AG. GRCh37 (hg19) VCF-style: chr11-117253602-A-AG.
Other names: c.1669dupG (NM_014956.4); c.1678dup, p.Glu560fs (NM_001271933.2); short protein forms E557fs, E560fs.
Identifiers: ClinVar variation 1456625 (VCV001456625.8), dbSNP rs749114363, ClinGen allele CA6294819.